The following is an entry in ClinVar:

ClinVar aggregate classification (germline): Benign/Likely benign. Review status: criteria provided, multiple submitters, no conflicts (2 of 4 stars). 5 submissions from 5 submitters: Benign (3); Likely benign (1). 1 of the submissions does not count toward it. Last evaluated 2026-02-04.

Conditions:
Glycogen storage disease XV (GSD15). Also called: GLYCOGENIN DEFICIENCY; GSD XV. Identifiers: Orphanet 263297, MedGen C3150754, MONDO:0013291, OMIM 613507.
Polyglucosan body myopathy type 2. Identifiers: Orphanet 456369, MedGen C4015452, MONDO:0014526, OMIM 616199.

Allele frequency attached by ClinVar (database versions not stated): TOPMed 0.29403; ESP Exome Variant Server 0.29433; gnomAD 0.29862 and 0.29940; 1000 Genomes Project 30x 0.29903; 1000 Genomes Project 0.30132; gnomAD exomes 0.30966 and 0.31408; ExAC 0.31249.
gnomAD v4.1: 496,711 of 1,609,844 alleles (31%); highest among the groups gnomAD compares: Admixed American, 34%; 77,383 homozygotes.

Submissions (5):

Labcorp Genetics (formerly Invitae), Labcorp
Classification: Benign for Polyglucosan body myopathy type 2; Glycogen storage disease XV. Last evaluated: 2026-02-04. Review status: criteria provided, single submitter. Criteria: Invitae Variant Classification Sherloc (09022015). Collection method: clinical testing. Allele origin: germline.

Blueprint Genetics
Classification: Likely benign. Last evaluated: 2024-11-26. Review status: criteria provided, single submitter. Criteria: ACMG Guidelines, 2015. Collection method: clinical testing. Allele origin: germline.

GeneDx
Classification: Benign. Last evaluated: 2015-12-02. Review status: criteria provided, single submitter. Criteria: GeneDx Variant Classification (06012015). Collection method: clinical testing. Allele origin: germline. Affected: yes.
Comment: This variant is considered likely benign or benign based on one or more of the following criteria: it is a conservative change, it occurs at a poorly conserved position in the protein, it is predicted to be benign by multiple in silico algorithms, and/or has population frequency not consistent with disease.

Breakthrough Genomics
Classification: Benign. Review status: criteria provided, single submitter. Criteria: ACMG Guidelines, 2015. Collection method: not provided. Allele origin: germline. Inheritance: Autosomal recessive inheritance. Affected: yes.

Mayo Clinic Laboratories, Mayo Clinic
Classification: Benign. Last evaluated: 2015-10-20. Review status: no assertion criteria provided. Collection method: clinical testing. Allele origin: unknown. Not counted in ClinVar's aggregate classification.

NM_004130.4(GYG1):c.552G>A (p.Pro184=)

Gene: GYG1 (glycogenin 1; plus strand). Cytogenetic location: 3q24.
Variant type: single nucleotide variant.
Coding change: c.552G>A on transcript NM_004130.4 (MANE Select); coding-DNA position 552, G replaced by A.
Protein change: p.Pro184=; no amino-acid change (proline 184 retained).
Molecular consequence: synonymous variant.
Genome position (GRCh38, 1-based): chr3:149,009,346, G>A. VCF-style: chr3-149009346-G-A. GRCh37 (hg19) VCF-style: chr3-148727133-G-A.
Other names: c.552G>A, p.Pro184= (NM_001184720.2, NM_001184721.2).
Identifiers: ClinVar variation 379980 (VCV000379980.15), dbSNP rs4938, ClinGen allele CA2658589.
Genomic context (GRCh38, chr3:149,009,346, plus strand): 5'-AGGCATACTGAACACATTTTTTAGCAGCTGGGCAACAACAGATATCAGAAAACACCTGCC[G>A]TTTATTTATAACCTAAGCAGCATCTCTATATACTCCTACCTCCCGGCATTTAAAGTGTAA-3'
Protein context (NP_004121.2, residues 174-194): WATTDIRKHL[Pro184=]FIYNLSSISI